The following is an entry in ClinVar:

ClinVar aggregate classification (germline): Uncertain significance (1 of 4 stars; one submission).

Conditions:
Hemolytic anemia due to pyrimidine 5' nucleotidase deficiency (CNSHA8). Also called: HEMOLYTIC ANEMIA DUE TO P5N DEFICIENCY; HEMOLYTIC ANEMIA DUE TO UMPH1 DEFICIENCY; P5N DEFICIENCY; PYRIMIDINE 5-PRIME NUCLEOTIDASE DEFICIENCY, HEMOLYTIC ANEMIA DUE TO; UMPH1 DEFICIENCY. Identifiers: Orphanet 35120, MedGen C1849507, MONDO:0009946, OMIM 266120.

Submission:

ARUP Laboratories, Molecular Genetics and Genomics, ARUP Laboratories
Classification: Uncertain significance for Hemolytic anemia due to pyrimidine 5' nucleotidase deficiency. Last evaluated: 2025-01-24. Review status: criteria provided, single submitter. Criteria: ARUP Molecular Germline Variant Investigation Process 2024. Collection method: clinical testing. Allele origin: germline.
Comment: The NT5C3A c.52T>C; p.Cys18Arg variant, to our knowledge, is not reported in the medical literature or gene specific databases. This variant is also absent from the Genome Aggregation Database (v2.1.1), indicating it is not a common polymorphism. Computational analyses are uncertain whether this variant is neutral or deleterious (REVEL: 0.489). Due to limited information, the clinical significance of this variant is uncertain at this time.

NM_001002010.5(NT5C3A):c.52T>C (p.Cys18Arg)

Gene: NT5C3A (5'-nucleotidase, cytosolic IIIA; minus strand). Cytogenetic location: 7p14.3.
Variant type: single nucleotide variant.
Coding change: c.52T>C on transcript NM_001002010.5 (MANE Select); coding-DNA position 52, T replaced by C.
Protein change: p.Cys18Arg; replaces cysteine 18 with arginine.
Molecular consequence: missense variant. On other transcripts: 5 prime UTR variant (3).
Genome position (GRCh38, 1-based): chr7:33,062,654, A>G on the plus strand (T>C on the coding strand, the complement: NT5C3A is on the minus strand). VCF-style: chr7-33062654-A-G. GRCh37 (hg19) VCF-style: chr7-33102266-A-G.
Other names: c.-223T>C (NM_001374336.1); c.52T>C, p.Cys18Arg (NM_001374338.1, NM_001374335.1); c.-106T>C (NM_001374339.1, NM_001002009.3); short protein forms C18R.
Identifiers: ClinVar variation 4685583 (VCV004685583.1).